The following is an entry in ClinVar:

NM_004380.3(CREBBP):c.3610-10A>G

Gene: CREBBP (CREB binding lysine acetyltransferase; minus strand). Cytogenetic location: 16p13.3.
Variant type: single nucleotide variant.
Coding change: c.3610-10A>G on transcript NM_004380.3 (MANE Select); 10 bases into the intron before coding-DNA position 3610, A replaced by G.
Molecular consequence: intron variant.
Genome position (GRCh38, 1-based): chr16:3,757,386, T>C on the plus strand (A>G on the coding strand, the complement: CREBBP is on the minus strand). VCF-style: chr16-3757386-T-C. GRCh37 (hg19) VCF-style: chr16-3807387-T-C.
Other names: c.3496-10A>G (NM_001079846.1).
Identifiers: ClinVar variation 3043524 (VCV003043524.3), dbSNP rs755035295, ClinGen allele CA7869780.
Genomic context (GRCh38, chr16:3,757,386, plus strand): 5'-GGTACACAGCTGCTTCCCATAGCAGCACAAAGTCTGTGGGGAAAACTCATACTGCAAAAA[T>C]AAAGGAGAAATACTTTTATATAAAAATACATTCCATTTACTGTCTTATAATGTTCTAGTC-3'

ClinVar aggregate classification (germline): Likely benign. Review status: criteria provided, single submitter (1 of 4 stars). 2 submissions from 2 submitters: Likely benign (1). 1 of the submissions does not count toward it. Last evaluated 2021-08-04.

Conditions:
CREBBP-related disorder. Also called: CREBBP-related disorders; CREBBP-related condition.

Allele frequency attached by ClinVar (database versions not stated): ExAC 0.00001; gnomAD 0.00005.
gnomAD v4.1: 53 of 1,603,024 alleles (0.0033%); highest among the groups gnomAD compares: Non-Finnish European, 0.0044%; no homozygotes.

Submissions (2):

Blueprint Genetics
Classification: Likely benign. Last evaluated: 2021-08-04. Review status: criteria provided, single submitter. Criteria: ACMG Guidelines, 2015. Collection method: clinical testing. Allele origin: germline.

PreventionGenetics, part of Exact Sciences
Classification: Likely benign for CREBBP-related condition. Last evaluated: 2022-09-03. Review status: no assertion criteria provided. Collection method: clinical testing. Allele origin: germline. Not counted in ClinVar's aggregate classification.
Comment: This variant is classified as likely benign based on ACMG/AMP sequence variant interpretation guidelines (Richards et al. 2015 PMID: 25741868, with internal and published modifications).